The following is an entry in ClinVar:

NM_006245.4(PPP2R5D):c.-4C>A

Genes: PPP2R5D (protein phosphatase 2 regulatory subunit B'delta; plus strand), LOC129996483 (ATAC-STARR-seq lymphoblastoid silent region 17211; plus strand). Cytogenetic location: 6p21.1.
Variant type: single nucleotide variant.
Coding change: c.-4C>A on transcript NM_006245.4 (MANE Select); 4 bases upstream of the start codon, C replaced by A.
Molecular consequence: 5 prime UTR variant.
Genome position (GRCh38, 1-based): chr6:42,984,674, C>A. VCF-style: chr6-42984674-C-A. GRCh37 (hg19) VCF-style: chr6-42952412-C-A.
Other names: c.-474C>A (NM_001270476.2); c.-4C>A (NM_180976.3, NM_180977.3).
Identifiers: ClinVar variation 4686900 (VCV004686900.1).

ClinVar aggregate classification (germline): Uncertain significance (1 of 4 stars; one submission).

Submission:

GeneDx
Classification: Uncertain significance. Last evaluated: 2025-07-21. Review status: criteria provided, single submitter. Criteria: GeneDx Variant Classification Process June 2021. Collection method: clinical testing. Allele origin: germline. Affected: yes.
Comment: Not observed at significant frequency in large population cohorts (gnomAD); Has not been previously published as pathogenic or benign to our knowledge; Alters the Kozak sequence, which plays a major role in the initiation of translation